The following is an entry in ClinVar:

ClinVar aggregate classification (germline): Likely benign. Review status: criteria provided, multiple submitters, no conflicts (2 of 4 stars). 5 submissions from 5 submitters: Likely benign (5). Last evaluated 2026-01-27.

Conditions:
Ehlers-Danlos syndrome, classic type, 1 (EDSCL1). Also called: Ehlers-Danlos syndrome, type 1; EDS I; Ehlers-Danlos Syndrome, Classic Type, COL5A1-Related; EHLERS-DANLOS SYNDROME, GRAVIS TYPE; EHLERS-DANLOS SYNDROME, SEVERE CLASSIC TYPE. Identifiers: MedGen C0268335, MONDO:0019567, OMIM 130000.

Allele frequency attached by ClinVar (database versions not stated): ExAC 0.00001; gnomAD 0.00006; TOPMed 0.00007; ESP Exome Variant Server 0.00008.
gnomAD v4.1: 172 of 1,613,914 alleles (0.011%); highest among the groups gnomAD compares: Non-Finnish European, 0.014%; no homozygotes.

Submissions (5):

Labcorp Genetics (formerly Invitae), Labcorp
Classification: Likely benign for Ehlers-Danlos syndrome, classic type, 1. Last evaluated: 2026-01-27. Review status: criteria provided, single submitter. Criteria: Invitae Variant Classification Sherloc (09022015). Collection method: clinical testing. Allele origin: germline.

Women's Health and Genetics/Laboratory Corporation of America, LabCorp
Classification: Likely benign. Last evaluated: 2025-11-28. Review status: criteria provided, single submitter. Criteria: LabCorp Variant Classification Summary - May 2015. Collection method: clinical testing. Allele origin: germline.

Blueprint Genetics
Classification: Likely benign. Last evaluated: 2024-02-05. Review status: criteria provided, single submitter. Criteria: ACMG Guidelines, 2015. Collection method: clinical testing. Allele origin: germline.

GeneDx
Classification: Likely benign. Last evaluated: 2017-11-01. Review status: criteria provided, single submitter. Criteria: GeneDx Variant Classification (06012015). Collection method: clinical testing. Allele origin: germline. Affected: yes.
Comment: This variant is considered likely benign or benign based on one or more of the following criteria: it is a conservative change, it occurs at a poorly conserved position in the protein, it is predicted to be benign by multiple in silico algorithms, and/or has population frequency not consistent with disease.

PreventionGenetics, part of Exact Sciences
Classification: Likely benign. Review status: criteria provided, single submitter. Criteria: ACMG Guidelines, 2015. Collection method: clinical testing. Allele origin: germline.

NM_000093.5(COL5A1):c.3205-18C>G

Gene: COL5A1 (collagen type V alpha 1 chain; plus strand). Cytogenetic location: 9q34.3.
Variant type: single nucleotide variant.
Coding change: c.3205-18C>G on transcript NM_000093.5 (MANE Select); 18 bases into the intron before coding-DNA position 3205, C replaced by G.
Molecular consequence: intron variant.
Genome position (GRCh38, 1-based): chr9:134,805,143, C>G. VCF-style: chr9-134805143-C-G. GRCh37 (hg19) VCF-style: chr9-137696989-C-G.
Other names: c.3205-18C>G (NM_001278074.1).
Identifiers: ClinVar variation 255076 (VCV000255076.11), dbSNP rs199557977, ClinGen allele CA5319800.